The following is an entry in ClinVar:

ClinVar aggregate classification (germline): Benign (1 of 4 stars; one submission).

Submission:

GeneDx
Classification: Benign. Last evaluated: 2018-06-14. Review status: criteria provided, single submitter. Criteria: GeneDx Variant Classification (06012015). Collection method: clinical testing. Allele origin: germline. Affected: yes.
Comment: This variant is considered likely benign or benign based on one or more of the following criteria: it is a conservative change, it occurs at a poorly conserved position in the protein, it is predicted to be benign by multiple in silico algorithms, and/or has population frequency not consistent with disease.

NM_001127222.2(CACNA1A):c.5249+165_5249+189del

Gene: CACNA1A (calcium voltage-gated channel subunit alpha1 A; minus strand). Cytogenetic location: 19p13.13.
Variant type: Deletion.
Coding change: c.5249+165_5249+189del on transcript NM_001127222.2 (MANE Select); bases 165 to 189 of the intron after coding-DNA position 5249, 25 bases deleted (GCGTGCCCTTCTCTTCCGGTAGGGG).
Molecular consequence: intron variant.
Genome position (GRCh38, 1-based): chr19:13,234,732-13,234,756, CCCCTACCGGAAGAGAAGGGCACGC deleted on the plus strand (GCGTGCCCTTCTCTTCCGGTAGGGG on the coding strand, the reverse complement: CACNA1A is on the minus strand); deleting any 25 consecutive bases within chr19:13,234,732-13,234,768 gives the same sequence; the c. name uses the placement nearest the transcript's 3' end. VCF-style (leftmost placement, unchanged base first): chr19-13234731-TCCCCTACCGGAAGAGAAGGGCACGC-T. GRCh37 (hg19) VCF-style: chr19-13345545-TCCCCTACCGGAAGAGAAGGGCACGC-T.
Other names: c.5252+165_5252+189del25 (NM_001127221.1); c.5252+165_5252+189del (NM_001127221.2); c.5258+165_5258+189del (NM_001174080.2); c.5267+165_5267+189del (NM_000068.4, NM_023035.3).
Identifiers: ClinVar variation 680069 (VCV000680069.1), dbSNP rs202051301, ClinGen allele CA305516336.
Genomic context (GRCh38, chr19:13,234,731, plus strand): 5'-CCCCCACACCAGAAAAGGAGGAGGAGGGCACGCCCCCTATCGGAAGAGAAGGCCGGCACG[TCCCCTACCGGAAGAGAAGGGCACGC>T]CCCCTACCGGAAAAGAAGGGTGAGGGCGCGCCCCTGCCAGAAGAGAAGGAGGAGGGCACG-3'